The following is an entry in ClinVar:

NM_005632.3(CAPN15):c.333G>A (p.Ala111=)

Gene: CAPN15 (calpain 15; plus strand). Cytogenetic location: 16p13.3.
Variant type: single nucleotide variant.
Coding change: c.333G>A on transcript NM_005632.3 (MANE Select); coding-DNA position 333, G replaced by A.
Protein change: p.Ala111=; no amino-acid change (alanine 111 retained).
Molecular consequence: synonymous variant.
Genome position (GRCh38, 1-based): chr16:547,171, G>A. VCF-style: chr16-547171-G-A. GRCh37 (hg19) VCF-style: chr16-597171-G-A.
Identifiers: ClinVar variation 2645792 (VCV002645792.24), dbSNP rs371030677, ClinGen allele CA7778044.
Genomic context (GRCh38, chr16:547,171, plus strand): 5'-CGCCATCCTGGGGGAGCCCAAGGGCAGCTGCCAGGAGGAAGCAGGTCCAGTGAGGACTGC[G>A]GGGCTGGTGGCCACGGAGCCCGCCAGGGGGCAGTGCGAGGACAAGGACGAGGAGGAGAAG-3'
Protein context (NP_005623.1, residues 101-121): CQEEAGPVRT[Ala111=]GLVATEPARG

ClinVar aggregate classification (germline): Likely benign (1 of 4 stars; one submission).

Allele frequency attached by ClinVar (database versions not stated): ESP Exome Variant Server 0.00008; ExAC 0.00009.
gnomAD v4.1: 51 of 1,540,416 alleles (0.0033%); highest among the groups gnomAD compares: South Asian, 0.011%; no homozygotes.

Submission:

CeGaT Center for Human Genetics Tuebingen
Classification: Likely benign. Last evaluated: 2022-08-01. Review status: criteria provided, single submitter. Criteria: CeGaT Center For Human Genetics Tuebingen Variant Classification Criteria Version 2. Collection method: clinical testing. Allele origin: germline. Affected: yes. Observed: 1 variant allele.
Comment: CAPN15: BP4, BP7